The following is an entry in ClinVar:

NM_152703.5(SAMD9L):c.1544A>T (p.His515Leu)

Gene: SAMD9L (sterile alpha motif domain containing 9 like; minus strand). Cytogenetic location: 7q21.2.
Variant type: single nucleotide variant.
Coding change: c.1544A>T on transcript NM_152703.5 (MANE Select); coding-DNA position 1544, A replaced by T.
Protein change: p.His515Leu; replaces histidine 515 with leucine.
Molecular consequence: missense variant.
Genome position (GRCh38, 1-based): chr7:93,134,428, T>A on the plus strand (A>T on the coding strand, the complement: SAMD9L is on the minus strand). VCF-style: chr7-93134428-T-A. GRCh37 (hg19) VCF-style: chr7-92763741-T-A.
Other names: c.1544A>T (NM_152703.2); c.1544A>T, p.His515Leu (NM_001303496.3, NM_001303497.3, NM_001303498.3 and 5 more transcripts); short protein forms H515L.
Identifiers: ClinVar variation 2115606 (VCV002115606.5), dbSNP rs764518200, ClinGen allele CA368195891.

ClinVar aggregate classification (germline): Uncertain significance. Review status: criteria provided, multiple submitters, no conflicts (2 of 4 stars). 2 submissions from 2 submitters: Uncertain significance (2). Last evaluated 2026-08-10.

Conditions:
Inborn genetic diseases. Identifiers: MedGen C0950123, MeSH D030342.

gnomAD v4.1: 1 of 1,613,926 alleles (0.000062%); highest among the groups gnomAD compares: Non-Finnish European, 0.000085%; no homozygotes.

Submissions (2):

Ambry Genetics
Classification: Uncertain significance for Inborn genetic diseases. Last evaluated: 2026-08-10. Review status: criteria provided, single submitter. Criteria: Ambry Variant Classification Scheme 2023. Collection method: clinical testing. Allele origin: germline.
Comment: The p.H515L variant (also known as c.1544A>T), located in coding exon 1 of the SAMD9L gene, results from an A to T substitution at nucleotide position 1544. The histidine at codon 515 is replaced by leucine, an amino acid with similar properties. This amino acid position is conserved. In addition, this alteration is predicted to be tolerated by in silico analysis. Based on the available evidence, the clinical significance of this variant remains unclear.

Labcorp Genetics (formerly Invitae), Labcorp
Classification: Uncertain significance. Last evaluated: 2022-03-21. Review status: criteria provided, single submitter. Criteria: Invitae Variant Classification Sherloc (09022015). Collection method: clinical testing. Allele origin: germline.
Comment: This sequence change replaces histidine, which is basic and polar, with leucine, which is neutral and non-polar, at codon 515 of the SAMD9L protein (p.His515Leu). This variant is not present in population databases (gnomAD no frequency). This variant has not been reported in the literature in individuals affected with SAMD9L-related conditions. Algorithms developed to predict the effect of missense changes on protein structure and function are either unavailable or do not agree on the potential impact of this missense change (SIFT: "Not Available"; PolyPhen-2: "Benign"; Align-GVGD: "Not Available"). In summary, the available evidence is currently insufficient to determine the role of this variant in disease. Therefore, it has been classified as a Variant of Uncertain Significance.